The following is an entry in ClinVar:

ClinVar aggregate classification (germline): Uncertain significance (1 of 4 stars; one submission).

gnomAD v4.1: 1 of 1,613,792 alleles (0.000062%); highest among the groups gnomAD compares: South Asian, 0.0011%; no homozygotes.

Submission:

Ambry Genetics
Classification: Uncertain significance. Last evaluated: 2021-09-15. Review status: criteria provided, single submitter. Criteria: Ambry Variant Classification Scheme 2023. Collection method: clinical testing. Allele origin: germline.
Comment: The p.D378V variant (also known as c.1133A>T) is located in coding exon 13 of the NPAT gene. The aspartic acid at codon 378 is replaced by valine, an amino acid with highly dissimilar properties. This change occurs in the first base pair of coding exon 13. This amino acid position is conserved. In addition, this alteration is predicted to be tolerated by in silico analysis. Since supporting evidence is limited at this time, the clinical significance of this alteration remains unclear.

NM_002519.3(NPAT):c.1133A>T (p.Asp378Val)

Gene: NPAT (nuclear protein, coactivator of histone transcription; minus strand). Cytogenetic location: 11q22.3.
Variant type: single nucleotide variant.
Coding change: c.1133A>T on transcript NM_002519.3 (MANE Select); coding-DNA position 1133, A replaced by T.
Protein change: p.Asp378Val; replaces aspartic acid 378 with valine.
Molecular consequence: missense variant.
Genome position (GRCh38, 1-based): chr11:108,173,851, T>A on the plus strand (A>T on the coding strand, the complement: NPAT is on the minus strand). VCF-style: chr11-108173851-T-A. GRCh37 (hg19) VCF-style: chr11-108044578-T-A.
Other names: c.1133A>T, p.Asp378Val (NM_001321307.1); short protein forms D378V.
Identifiers: ClinVar variation 1728984 (VCV001728984.2), dbSNP rs920995041, ClinGen allele CA382516263.